The following is an entry in ClinVar:

ClinVar aggregate classification (germline): Uncertain significance (1 of 4 stars; one submission).

gnomAD v4.1: 5 of 1,612,000 alleles (0.00031%); highest among the groups gnomAD compares: African/African-American, 0.004%; no homozygotes.

Submission:

Labcorp Genetics (formerly Invitae), Labcorp
Classification: Uncertain significance. Last evaluated: 2025-05-18. Review status: criteria provided, single submitter. Criteria: Invitae Variant Classification Sherloc (09022015). Collection method: clinical testing. Allele origin: germline.
Comment: The OPA1 gene has multiple clinically relevant transcripts. This variant occurs in alternate transcript NM_130837.2, and corresponds to NM_015560.2:c.625-5522A>G in the primary transcript. This sequence change affects an acceptor splice site in intron 5 of the OPA1 gene. It is expected to disrupt RNA splicing. Variants that disrupt the donor or acceptor splice site typically lead to a loss of protein function (PMID: 16199547), however the current clinical and genetic evidence is not sufficient to establish whether loss-of-function variants in OPA1 cause disease. This variant is present in population databases (rs754105429, gnomAD 0.007%). This variant has not been reported in the literature in individuals affected with OPA1-related conditions. Algorithms developed to predict the effect of sequence changes on RNA splicing suggest that this variant is not likely to affect RNA splicing. In summary, the available evidence is currently insufficient to determine the role of this variant in disease. Therefore, it has been classified as a Variant of Uncertain Significance.

Literature cited by the submitters: PubMed 16199547.

NM_130837.3(OPA1):c.679-2A>G

Genes: OPA1 (OPA1 mitochondrial dynamin like GTPase; plus strand), OPA1-AS1 (OPA1 antisense RNA 1; minus strand). Cytogenetic location: 3q29.
Variant type: single nucleotide variant.
Coding change: c.679-2A>G on transcript NM_130837.3 (MANE Select); the canonical splice acceptor site of the intron before coding-DNA position 679, A replaced by G.
Molecular consequence: splice acceptor variant. On other transcripts: intron variant (5).
Genome position (GRCh38, 1-based): chr3:193,626,090, A>G. VCF-style: chr3-193626090-A-G. GRCh37 (hg19) VCF-style: chr3-193343879-A-G.
Other names: c.253-5522A>G (NM_001354664.2); c.145-2A>G (NM_001354663.2); c.679-5522A>G (NM_130834.3); c.625-2A>G (NM_130836.3); c.625-5522A>G (NM_015560.3); c.571-2A>G (NM_130835.3); c.571-5522A>G (NM_130832.3); c.517-2A>G (NM_130833.3); and 1 more.
Identifiers: ClinVar variation 4781585 (VCV004781585.1).